The following is an entry in ClinVar:

NM_021978.4(ST14):c.1383G>T (p.Thr461=)

Gene: ST14 (ST14 transmembrane serine protease matriptase; plus strand). Cytogenetic location: 11q24.3.
Variant type: single nucleotide variant.
Coding change: c.1383G>T on transcript NM_021978.4 (MANE Select); coding-DNA position 1383, G replaced by T.
Protein change: p.Thr461=; no amino-acid change (threonine 461 retained).
Molecular consequence: synonymous variant.
Genome position (GRCh38, 1-based): chr11:130,197,869, G>T. VCF-style: chr11-130197869-G-T. GRCh37 (hg19) VCF-style: chr11-130067764-G-T.
Other names: c.1383G>T (NM_021978.3).
Identifiers: ClinVar variation 1552531 (VCV001552531.12), dbSNP rs583863, ClinGen allele CA6364042.

ClinVar aggregate classification (germline): Benign. Review status: criteria provided, multiple submitters, no conflicts (2 of 4 stars). 4 submissions from 4 submitters: Benign (3). 1 of the submissions does not count toward it. Last evaluated 2026-08-01.

Conditions:
ST14-related disorder. Also called: ST14-related condition.

Allele frequency attached by ClinVar (database versions not stated): 1000 Genomes Project 0.00579; 1000 Genomes Project 30x 0.00593; ESP Exome Variant Server 0.01025.
gnomAD v4.1: 18,677 of 1,591,146 alleles (1.2%); highest among the groups gnomAD compares: Non-Finnish European, 1.3%; 199 homozygotes.

Submissions (4):

CeGaT Center for Human Genetics Tuebingen
Classification: Benign. Last evaluated: 2026-08-01. Review status: criteria provided, single submitter. Criteria: CeGaT Center For Human Genetics Tuebingen Variant Classification Criteria Version 2. Collection method: clinical testing. Allele origin: germline. Affected: yes. Observed: 1 variant allele.
Comment: ST14: BP4, BP7, BS1, BS2

Labcorp Genetics (formerly Invitae), Labcorp
Classification: Benign. Last evaluated: 2025-12-25. Review status: criteria provided, single submitter. Criteria: Invitae Variant Classification Sherloc (09022015). Collection method: clinical testing. Allele origin: germline.

Breakthrough Genomics
Classification: Benign. Review status: criteria provided, single submitter. Criteria: ACMG Guidelines, 2015. Collection method: not provided. Allele origin: germline. Inheritance: Autosomal recessive inheritance. Affected: yes.

PreventionGenetics, part of Exact Sciences
Classification: Benign for ST14-related condition. Last evaluated: 2019-09-17. Review status: no assertion criteria provided. Collection method: clinical testing. Allele origin: germline. Not counted in ClinVar's aggregate classification.
Comment: This variant is classified as benign based on ACMG/AMP sequence variant interpretation guidelines (Richards et al. 2015 PMID: 25741868, with internal and published modifications).